The following is an entry in ClinVar:

NM_006348.5(COG5):c.1561A>G (p.Lys521Glu)

Gene: COG5 (component of oligomeric golgi complex 5; minus strand). Cytogenetic location: 7q22.3.
Variant type: single nucleotide variant.
Coding change: c.1561A>G on transcript NM_006348.5 (MANE Select); coding-DNA position 1561, A replaced by G.
Protein change: p.Lys521Glu; replaces lysine 521 with glutamic acid.
Molecular consequence: missense variant.
Genome position (GRCh38, 1-based): chr7:107,281,314, T>C on the plus strand (A>G on the coding strand, the complement: COG5 is on the minus strand). VCF-style: chr7-107281314-T-C. GRCh37 (hg19) VCF-style: chr7-106921759-T-C.
Other names: c.1561A>G, p.Lys521Glu (NM_001161520.2, NM_001379512.1, NM_001379513.1 and 2 more transcripts); c.1399A>G, p.Lys467Glu (NM_001379511.1); c.991A>G, p.Lys331Glu (NM_001379515.1); c.847A>G, p.Lys283Glu (NM_001379516.1); short protein forms K331E, K467E, K521E, K283E.
Identifiers: ClinVar variation 1466404 (VCV001466404.6), dbSNP rs768443334, ClinGen allele CA4430879.

ClinVar aggregate classification (germline): Uncertain significance (1 of 4 stars; one submission).

Conditions:
COG5-congenital disorder of glycosylation. Also called: CDG IIi; CONGENITAL DISORDER OF GLYCOSYLATION, TYPE IIi; COG5-CDG. Identifiers: Orphanet 263487, MedGen C3150876, MONDO:0013325, OMIM 613612.

Allele frequency attached by ClinVar (database versions not stated): gnomAD exomes below 0.00001; ExAC 0.00001.
gnomAD v4.1: 3 of 1,611,944 alleles (0.00019%); highest among the groups gnomAD compares: Admixed American, 0.0017%; no homozygotes.

Submission:

Labcorp Genetics (formerly Invitae), Labcorp
Classification: Uncertain significance for COG5-congenital disorder of glycosylation. Last evaluated: 2021-12-03. Review status: criteria provided, single submitter. Criteria: Invitae Variant Classification Sherloc (09022015). Collection method: clinical testing. Allele origin: germline.
Comment: This sequence change replaces lysine, which is basic and polar, with glutamic acid, which is acidic and polar, at codon 552 of the COG5 protein (p.Lys552Glu). This variant is present in population databases (rs768443334, gnomAD 0.003%). This variant has not been reported in the literature in individuals affected with COG5-related conditions. Algorithms developed to predict the effect of missense changes on protein structure and function (SIFT, PolyPhen-2, Align-GVGD) all suggest that this variant is likely to be disruptive. In summary, the available evidence is currently insufficient to determine the role of this variant in disease. Therefore, it has been classified as a Variant of Uncertain Significance.